The following is an entry in ClinVar:

NM_017882.3(CLN6):c.757C>T (p.Leu253Phe)

Gene: CLN6 (CLN6 transmembrane ER protein; minus strand). Cytogenetic location: 15q23.
Variant type: single nucleotide variant.
Coding change: c.757C>T on transcript NM_017882.3 (MANE Select); coding-DNA position 757, C replaced by T.
Protein change: p.Leu253Phe; replaces leucine 253 with phenylalanine.
Molecular consequence: missense variant.
Genome position (GRCh38, 1-based): chr15:68,208,319, G>A on the plus strand (C>T on the coding strand, the complement: CLN6 is on the minus strand). VCF-style: chr15-68208319-G-A. GRCh37 (hg19) VCF-style: chr15-68500657-G-A.
Other names: short protein forms L253F.
Identifiers: ClinVar variation 1348598 (VCV001348598.5), dbSNP rs1274562752, ClinGen allele CA392972011.

ClinVar aggregate classification (germline): Uncertain significance (1 of 4 stars; one submission).

Conditions:
Neuronal ceroid lipofuscinosis. Also called: Neuronal Ceroid Lipofuscinoses. Identifiers: Orphanet 216, Orphanet 79263, MedGen C0027877, MONDO:0016295. Disease mechanism: loss of function.

Submission:

Labcorp Genetics (formerly Invitae), Labcorp
Classification: Uncertain significance for Neuronal ceroid lipofuscinosis. Last evaluated: 2022-03-19. Review status: criteria provided, single submitter. Criteria: Invitae Variant Classification Sherloc (09022015). Collection method: clinical testing. Allele origin: germline.
Comment: This sequence change replaces leucine, which is neutral and non-polar, with phenylalanine, which is neutral and non-polar, at codon 253 of the CLN6 protein (p.Leu253Phe). This variant is not present in population databases (gnomAD no frequency). This variant has not been reported in the literature in individuals affected with CLN6-related conditions. Algorithms developed to predict the effect of missense changes on protein structure and function are either unavailable or do not agree on the potential impact of this missense change (SIFT: "Tolerated"; PolyPhen-2: "Probably Damaging"; Align-GVGD: "Class C0"). In summary, the available evidence is currently insufficient to determine the role of this variant in disease. Therefore, it has been classified as a Variant of Uncertain Significance.